The following is an entry in ClinVar:

NM_001048174.2(MUTYH):c.1207C>T (p.Leu403Phe)

Gene: MUTYH (mutY DNA glycosylase; minus strand). Cytogenetic location: 1p34.1.
Variant type: single nucleotide variant.
Coding change: c.1207C>T on transcript NM_001048174.2 (MANE Select); coding-DNA position 1207, C replaced by T.
Protein change: p.Leu403Phe; replaces leucine 403 with phenylalanine.
Molecular consequence: missense variant. On other transcripts: non-coding transcript variant (7).
Genome position (GRCh38, 1-based): chr1:45,331,452, G>A on the plus strand (C>T on the coding strand, the complement: MUTYH is on the minus strand). VCF-style: chr1-45331452-G-A. GRCh37 (hg19) VCF-style: chr1-45797124-G-A.
Other names: c.1207C>T, p.Leu403Phe (NM_001048171.2, NM_001048173.2, NM_001293195.2 and 6 more transcripts); c.1210C>T, p.Leu404Phe (NM_001048172.2, NM_001407071.1, NM_001407078.1 and 1 more transcripts); c.1291C>T, p.Leu431Phe (NM_001128425.2); c.1252C>T, p.Leu418Phe (NM_001293190.2); c.1240C>T, p.Leu414Phe (NM_001293191.2, NM_001407069.1, NM_001407077.1); c.931C>T, p.Leu311Phe (NM_001293192.2, NM_001293196.2, NM_001407091.1); c.862C>T, p.Leu288Phe (NM_001350650.2, NM_001350651.2, NM_001407082.1); c.1123C>T, p.Leu375Phe (NM_001407075.1); and 5 more; short protein forms L311F, L389F, L390F, L414F, L288F, L431F, L375F, L404F.
Identifiers: ClinVar variation 2746763 (VCV002746763.4), dbSNP rs1280648051, ClinGen allele CA340132882.

ClinVar aggregate classification (germline): Uncertain significance. Review status: criteria provided, multiple submitters, no conflicts (2 of 4 stars). 2 submissions from 2 submitters: Uncertain significance (2). Last evaluated 2025-08-27.

Conditions:
Hereditary cancer-predisposing syndrome. Also called: Hereditary Cancer Syndrome; Hereditary neoplastic syndrome; Neoplastic Syndromes, Hereditary; Tumor predisposition. Identifiers: Orphanet 140162, MedGen C0027672, MeSH D009386, MONDO:0015356.
Familial adenomatous polyposis 2. Also called: MUTYH-associated polyposis; Adenomas, multiple colorectal; COLORECTAL ADENOMATOUS POLYPOSIS, AUTOSOMAL RECESSIVE; ADENOMAS, MULTIPLE COLORECTAL, AUTOSOMAL RECESSIVE; MUTYH-related attenuated familial adenomatous polyposis; MYH-associated polyposis. Identifiers: Orphanet 220460, Orphanet 247798, MedGen C3272841, MONDO:0012041, OMIM 608456.

Submissions (2):

Ambry Genetics
Classification: Uncertain significance for Hereditary cancer-predisposing syndrome. Last evaluated: 2025-08-27. Review status: criteria provided, single submitter. Criteria: Ambry Variant Classification Scheme 2023. Collection method: clinical testing. Allele origin: germline.
Comment: The p.L431F variant (also known as c.1291C>T), located in coding exon 13 of the MUTYH gene, results from a C to T substitution at nucleotide position 1291. The leucine at codon 431 is replaced by phenylalanine, an amino acid with highly similar properties. This amino acid position is conserved. In addition, this alteration is predicted to be tolerated by in silico analysis. Based on the available evidence, the clinical significance of this variant remains unclear.

Labcorp Genetics (formerly Invitae), Labcorp
Classification: Uncertain significance for Familial adenomatous polyposis 2. Last evaluated: 2023-07-25. Review status: criteria provided, single submitter. Criteria: Invitae Variant Classification Sherloc (09022015). Collection method: clinical testing. Allele origin: germline.
Comment: In summary, the available evidence is currently insufficient to determine the role of this variant in disease. Therefore, it has been classified as a Variant of Uncertain Significance. An algorithm developed to predict the effect of missense changes on protein structure and function (PolyPhen-2) suggests that this variant is likely to be tolerated. This variant has not been reported in the literature in individuals affected with MUTYH-related conditions. This variant is not present in population databases (gnomAD no frequency). This sequence change replaces leucine, which is neutral and non-polar, with phenylalanine, which is neutral and non-polar, at codon 431 of the MUTYH protein (p.Leu431Phe).